The following is an entry in ClinVar:

NM_000138.5(FBN1):c.1497T>A (p.Cys499Ter)

Gene: FBN1 (fibrillin 1; minus strand). Cytogenetic location: 15q21.1.
Variant type: single nucleotide variant.
Coding change: c.1497T>A on transcript NM_000138.5 (MANE Select); coding-DNA position 1497, T replaced by A.
Protein change: p.Cys499Ter; replaces cysteine 499 with a stop codon.
Molecular consequence: nonsense.
Genome position (GRCh38, 1-based): chr15:48,513,640, A>T on the plus strand (T>A on the coding strand, the complement: FBN1 is on the minus strand). VCF-style: chr15-48513640-A-T. GRCh37 (hg19) VCF-style: chr15-48805837-A-T.
Other names: c.1497T>A, p.Cys499Ter (NM_001406716.1); short protein forms C499*.
Identifiers: ClinVar variation 4785579 (VCV004785579.1).

ClinVar aggregate classification (germline): Pathogenic (1 of 4 stars; one submission).

Conditions:
Marfan syndrome (MFS). Also called: FBN1-Related Marfan Syndrome; MARFAN SYNDROME, TYPE I; Marfan syndrome type 1; Marfan's syndrome; Marfan syndrome, classic. Identifiers: Orphanet 284963, Orphanet 558, MedGen C0024796, MONDO:0007947, OMIM 154700.
Familial thoracic aortic aneurysm and aortic dissection (TAAD). Also called: Thoracic aortic aneurysms and dissections. Identifiers: Orphanet 91387, MedGen C4707243, MONDO:0019625.

Submission:

Labcorp Genetics (formerly Invitae), Labcorp
Classification: Pathogenic for Marfan syndrome; Familial thoracic aortic aneurysm and aortic dissection. Last evaluated: 2025-07-14. Review status: criteria provided, single submitter. Criteria: Invitae Variant Classification Sherloc (09022015). Collection method: clinical testing. Allele origin: germline.
Comment: This sequence change creates a premature translational stop signal (p.Cys499*) in the FBN1 gene. It is expected to result in an absent or disrupted protein product. Loss-of-function variants in FBN1 are known to be pathogenic (PMID: 17657824, 19293843). This variant is not present in population databases (gnomAD no frequency). This variant has not been reported in the literature in individuals affected with FBN1-related conditions. For these reasons, this variant has been classified as Pathogenic.

Literature cited by the submitters: PubMed 17657824; PubMed 19293843.